The following is an entry in ClinVar:

NM_176869.3(PPA2):c.441+6A>G

Gene: PPA2 (inorganic pyrophosphatase 2; minus strand). Cytogenetic location: 4q24.
Variant type: single nucleotide variant.
Coding change: c.441+6A>G on transcript NM_176869.3 (MANE Select); 6 bases into the intron after coding-DNA position 441, A replaced by G.
Molecular consequence: intron variant.
Genome position (GRCh38, 1-based): chr4:105,446,377, T>C on the plus strand (A>G on the coding strand, the complement: PPA2 is on the minus strand). VCF-style: chr4-105446377-T-C. GRCh37 (hg19) VCF-style: chr4-106367534-T-C.
Other names: c.157+27517A>G (NM_176867.3); c.222+10304A>G (NM_176866.2); c.441+6A>G (NM_006903.4).
Identifiers: ClinVar variation 1500506 (VCV001500506.3), dbSNP rs1307313502, ClinGen allele CA553604849.

ClinVar aggregate classification (germline): Uncertain significance (1 of 4 stars; one submission).

Allele frequency attached by ClinVar (database versions not stated): gnomAD exomes below 0.00001; gnomAD 0.00001; TOPMed 0.00001.
gnomAD v4.1: 6 of 1,543,404 alleles (0.00039%); highest among the groups gnomAD compares: Non-Finnish European, 0.00052%; no homozygotes.

Submission:

Labcorp Genetics (formerly Invitae), Labcorp
Classification: Uncertain significance. Last evaluated: 2022-08-22. Review status: criteria provided, single submitter. Criteria: Invitae Variant Classification Sherloc (09022015). Collection method: clinical testing. Allele origin: germline.
Comment: This sequence change falls in intron 5 of the PPA2 gene. It does not directly change the encoded amino acid sequence of the PPA2 protein. It affects a nucleotide within the consensus splice site. This variant is present in population databases (no rsID available, gnomAD 0.001%). This variant has not been reported in the literature in individuals affected with PPA2-related conditions. ClinVar contains an entry for this variant (Variation ID: 1500506). Variants that disrupt the consensus splice site are a relatively common cause of aberrant splicing (PMID: 17576681, 9536098). Algorithms developed to predict the effect of sequence changes on RNA splicing suggest that this variant is not likely to affect RNA splicing. In summary, the available evidence is currently insufficient to determine the role of this variant in disease. Therefore, it has been classified as a Variant of Uncertain Significance.

Literature cited by the submitters: PubMed 17576681; PubMed 9536098.